The following is an entry in ClinVar:

NM_005430.4(WNT1):c.506G>A (p.Gly169Asp)

Gene: WNT1 (Wnt family member 1; plus strand). Cytogenetic location: 12q13.12.
Variant type: single nucleotide variant.
Coding change: c.506G>A on transcript NM_005430.4 (MANE Select); coding-DNA position 506, G replaced by A.
Protein change: p.Gly169Asp; replaces glycine 169 with aspartic acid.
Molecular consequence: missense variant.
Genome position (GRCh38, 1-based): chr12:48,980,571, G>A. VCF-style: chr12-48980571-G-A. GRCh37 (hg19) VCF-style: chr12-49374354-G-A.
Other names: short protein forms G169D.
Identifiers: ClinVar variation 1212910 (VCV001212910.24), dbSNP rs371672410, ClinGen allele CA6544409.

ClinVar aggregate classification (germline): Conflicting classifications of pathogenicity. Review status: criteria provided, conflicting classifications (1 of 4 stars). 9 submissions from 9 submitters: Pathogenic (4); Likely pathogenic (2); Uncertain significance (3). Last evaluated 2026-07-22.

Conditions:
Osteogenesis imperfecta (OI). Identifiers: Orphanet 666, MedGen C0029434, MeSH D010013, MONDO:0019019.
Osteogenesis imperfecta type 15. Also called: OI, TYPE XV; WNT1-related osteogenesis imperfecta; Osteogenesis imperfecta, type xv. Identifiers: Orphanet 666, MedGen C3808844, MONDO:0014086, OMIM 615220.
OSTEOPOROSIS, EARLY-ONSET, SUSCEPTIBILITY TO (BMND16). Also called: Bone mineral density quantitative trait locus 16. Identifiers: Orphanet 85193, MedGen C3714945, OMIM 615221.
WNT1-related disorder. Also called: WNT1-related condition.
Inborn genetic diseases. Identifiers: MedGen C0950123, MeSH D030342.

Allele frequency attached by ClinVar (database versions not stated): ExAC 0.00006; gnomAD exomes 0.00009; 1000 Genomes Project 30x 0.00016; 1000 Genomes Project 0.00020; ESP Exome Variant Server 0.00023; TOPMed 0.00032.

Submissions (9):

PreventionGenetics, part of Exact Sciences
Classification: Pathogenic for WNT1-related condition. Last evaluated: 2026-07-22. Review status: criteria provided, single submitter. Criteria: ACMG Guidelines, 2015. Collection method: clinical testing. Allele origin: germline.
Comment: The WNT1 c.506G>A variant is predicted to result in the amino acid substitution p.Gly169Asp. This variant has been reported in the compound heterozygous state in multiple individuals with osteogenesis imperfecta and segregates with disease (Liu et al. 2016. PubMed ID: 27450065; Table S1, Li et al. 2019. PubMed ID: 30715774; Cao et al. 2019. PubMed ID: 30913006; Xi et al. 2021. PubMed ID: 34335676; Table S1, Lin et al. 2023. PubMed ID: 37270749). An alternate missense change at the same amino acid position (p.Gly169Cys) has been reported to be associated with osteogenesis imperfecta (Liu et al. 2016. PubMed ID: 27450065; Zhang et al. 2021. PubMed ID: 34078411). This variant is reported in 0.097% of alleles in individuals of African descent in gnomAD. This variant has conflicting classifications listed in ClinVar ranging from uncertain to pathogenic (Variation ID: 1212910). This variant is interpreted as pathogenic.

Women's Health and Genetics/Laboratory Corporation of America, LabCorp
Classification: Pathogenic for Osteogenesis imperfecta. Last evaluated: 2026-06-08. Review status: criteria provided, single submitter. Criteria: LabCorp Variant Classification Summary - May 2015. Collection method: clinical testing. Allele origin: germline.
Comment: Variant summary: WNT1 c.506G>A (p.Gly169Asp) results in a non-conservative amino acid change in the encoded protein sequence. Algorithms developed to predict the effect of missense changes on protein structure and function all suggest that this variant is likely to be disruptive. The variant allele was found at a frequency of 8.6e-05 in 232802 control chromosomes. This frequency is not significantly higher than estimated for disease-causing variants in WNT1, allowing no conclusion about variant significance. c.506G>A has been reported in the literature in the compound heterozygous state in individuals affected with autosomal recessive Osteogenesis Imperfecta (e.g. Liu_2016, Cao_2019, Li_2019, Hu_2023). These data indicate that the variant is likely to be associated with disease. A different variant affecting the same codon has been classified as likely pathogenic by our lab (c.505G>T, p.Gly169Cys), supporting the critical relevance of codon 169 to WNT1 protein function. To our knowledge, no experimental evidence demonstrating an impact on protein function has been reported. The following publications have been ascertained in the context of this evaluation (PMID: 30913006, 36595228, 30715774, 27450065, 28725987, 36056132, 33195954). ClinVar contains an entry for this variant (Variation ID: 1212910). Based on the evidence outlined above, the variant was classified as pathogenic for autosomal recessive Osteogenesis Imperfecta.

Mendelics
Classification: Pathogenic for Osteogenesis imperfecta type 15. Last evaluated: 2026-03-05. Review status: criteria provided, single submitter. Criteria: ACMG Guidelines, 2015. Collection method: clinical testing. Allele origin: unknown.
Comment: Likely pathogenic/Pathogenic according to ACMG criteria.

3billion
Classification: Likely pathogenic for Osteogenesis imperfecta type 15. Last evaluated: 2026-01-28. Review status: criteria provided, single submitter. Criteria: ACMG Guidelines, 2015. Collection method: clinical testing. Allele origin: germline. Affected: yes.
Comment: The variant is observed at an extremely low frequency in the gnomAD v4.1.0 dataset (total allele frequency: 0.006%). Predicted Consequence/Location: Missense variant In silico tool predictions suggest damaging effect of the variant on gene or gene product [REVEL: 0.84 (>=0.6, sensitivity 0.68 and specificity 0.92)]. The same nucleotide change resulting in the same amino acid change has been previously reported to be associated with WNT1-related disorder (ClinVar ID: VCV001212910 /PMID: 27450065). The variant has been reported to be in trans with a pathogenic variant as either compound heterozygous or homozygous in at least one similarly affected unrelated individual (PMID: 28725987). A different missense change at the same codon (p.Gly169Cys) has been reported to be associated with WNT1-related disorder (ClinVar ID: VCV002735848 /PMID: 27450065). Therefore, this variant is classified as Likely pathogenic according to the recommendation of ACMG/AMP guideline.

Labcorp Genetics (formerly Invitae), Labcorp
Classification: Pathogenic. Last evaluated: 2026-01-11. Review status: criteria provided, single submitter. Criteria: Invitae Variant Classification Sherloc (09022015). Collection method: clinical testing. Allele origin: germline.
Comment: This sequence change replaces glycine, which is neutral and non-polar, with aspartic acid, which is acidic and polar, at codon 169 of the WNT1 protein (p.Gly169Asp). This variant is present in population databases (rs371672410, gnomAD 0.09%). This missense change has been observed in individual(s) with autosomal recessive osteogenesis imperfecta (PMID: 27450065, 30715774, 30913006). In at least one individual the data is consistent with being in trans (on the opposite chromosome) from a pathogenic variant. ClinVar contains an entry for this variant (Variation ID: 1212910). Invitae Evidence Modeling of protein sequence and biophysical properties (such as structural, functional, and spatial information, amino acid conservation, physicochemical variation, residue mobility, and thermodynamic stability) indicates that this missense variant is expected to disrupt WNT1 protein function with a positive predictive value of 80%. For these reasons, this variant has been classified as Pathogenic.

Fulgent Genetics
Classification: Likely pathogenic for Osteogenesis imperfecta type 15; OSTEOPOROSIS, EARLY-ONSET, SUSCEPTIBILITY TO. Last evaluated: 2024-03-27. Review status: criteria provided, single submitter. Criteria: ACMG Guidelines, 2015. Collection method: clinical testing. Allele origin: germline.

Ambry Genetics
Classification: Uncertain significance for Inborn genetic diseases. Last evaluated: 2022-01-07. Review status: criteria provided, single submitter. Criteria: Ambry Variant Classification Scheme 2023. Collection method: clinical testing. Allele origin: germline.

Genome Diagnostics Laboratory, The Hospital for Sick Children
Classification: Uncertain significance for Osteogenesis imperfecta. Last evaluated: 2020-05-01. Review status: criteria provided, single submitter. Criteria: ACMG Guidelines, 2015. Collection method: clinical testing. Allele origin: germline.

GeneDx
Classification: Uncertain significance. Last evaluated: 2019-12-12. Review status: criteria provided, single submitter. Criteria: GeneDx Variant Classification Process June 2021. Collection method: clinical testing. Allele origin: germline. Affected: yes.
Comment: In silico analysis, which includes protein predictors and evolutionary conservation, supports a deleterious effect; This variant is associated with the following publications: (PMID: 33195954, 28725987, 27450065, 30715774, 29552441, 30913006)

Literature cited by the submitters: PubMed 28725987 (cited by 3 submitters); PubMed 30913006 (cited by Women's Health and Genetics/Laboratory Corporation of America, LabCorp and Labcorp Genetics (formerly Invitae), Labcorp); PubMed 30715774 (cited by Women's Health and Genetics/Laboratory Corporation of America, LabCorp and Labcorp Genetics (formerly Invitae), Labcorp); PubMed 27450065 (cited by 3 submitters); PubMed 33195954 (cited by Women's Health and Genetics/Laboratory Corporation of America, LabCorp and Ambry Genetics); PubMed 36056132 (cited by Women's Health and Genetics/Laboratory Corporation of America, LabCorp); PubMed 36595228 (cited by Women's Health and Genetics/Laboratory Corporation of America, LabCorp); PubMed 33093841 (cited by Ambry Genetics); PubMed 34335676 (cited by Ambry Genetics).